The following is an entry in ClinVar:

NM_004655.4(AXIN2):c.169C>A (p.Arg57=)

Gene: AXIN2 (axin 2; minus strand). Cytogenetic location: 17q24.1.
Variant type: single nucleotide variant.
Coding change: c.169C>A on transcript NM_004655.4 (MANE Select); coding-DNA position 169, C replaced by A.
Protein change: p.Arg57=; no amino-acid change (arginine 57 retained).
Molecular consequence: synonymous variant.
Genome position (GRCh38, 1-based): chr17:65,558,452, G>T on the plus strand (C>A on the coding strand, the complement: AXIN2 is on the minus strand). VCF-style: chr17-65558452-G-T. GRCh37 (hg19) VCF-style: chr17-63554570-G-T.
Other names: c.169C>A, p.Arg57= (NM_001363813.1).
Identifiers: ClinVar variation 1632667 (VCV001632667.12), dbSNP rs1555583686, ClinGen allele CA501691508.
Genomic context (GRCh38, chr17:65,558,452, plus strand): 5'-GGGTCAGAGGGGAATCCGGAGATGCCCGCCCCTCCGGCTCCCCCAACCCATCTTCGTTCC[G>T]CCTGGTGTTGGAAGAGACAGGCATGGGTTTGGTGACCTGGCCCTTGCCCACCCCTGGCTG-3'
Protein context (NP_004646.3, residues 47-67): KPMPVSSNTR[Arg57=]NEDGLGEPEG

ClinVar aggregate classification (germline): Conflicting classifications of pathogenicity. Review status: criteria provided, conflicting classifications (1 of 4 stars). 4 submissions from 4 submitters: Uncertain significance (1); Benign (1); Likely benign (2). Last evaluated 2024-09-23.

Conditions:
Hereditary cancer-predisposing syndrome. Also called: Neoplastic Syndromes, Hereditary; Tumor predisposition; Hereditary Cancer Syndrome; Hereditary neoplastic syndrome. Identifiers: Orphanet 140162, MedGen C0027672, MeSH D009386, MONDO:0015356.
Oligodontia-cancer predisposition syndrome. Also called: TOOTH AGENESIS-COLORECTAL CANCER SYNDROME. Identifiers: Orphanet 300576, MedGen C1837750, MONDO:0012075, OMIM 608615. Disease mechanism: loss of function.

Submissions (4):

Labcorp Genetics (formerly Invitae), Labcorp
Classification: Likely benign for Oligodontia-cancer predisposition syndrome. Last evaluated: 2024-09-23. Review status: criteria provided, single submitter. Criteria: Invitae Variant Classification Sherloc (09022015). Collection method: clinical testing. Allele origin: germline.

Quest Diagnostics Nichols Institute San Juan Capistrano
Classification: Uncertain significance. Last evaluated: 2024-07-24. Review status: criteria provided, single submitter. Criteria: Quest Diagnostics criteria. Collection method: clinical testing. Allele origin: unknown.
Comment: The AXIN2 c.169C>A (p.Arg57=) synonymous variant has not been reported in individuals with AXIN2-related conditions in the published literature. It also has not been reported in large, multi-ethnic general populations (Genome Aggregation Database). Analysis of this variant using software algorithms for the prediction of the effect of nucleotide changes on splicing yielded predictions that this variant does not affect AXIN2 mRNA splicing. Based on the available information, we are unable to determine the clinical significance of this variant.

Myriad Genetics, Inc.
Classification: Benign for Oligodontia-cancer predisposition syndrome. Last evaluated: 2024-06-25. Review status: criteria provided, single submitter. Criteria: Myriad Autosomal Dominant, Autosomal Recessive and X-Linked Classification Criteria (2023). Collection method: clinical testing. Allele origin: unknown.
Comment: This variant is considered benign. This variant is a silent/synonymous amino acid change and it is not expected to impact splicing.

Ambry Genetics
Classification: Likely benign for Hereditary cancer-predisposing syndrome. Last evaluated: 2020-08-19. Review status: criteria provided, single submitter. Criteria: Ambry Variant Classification Scheme 2023. Collection method: clinical testing. Allele origin: germline.